The following is an entry in ClinVar:

ClinVar aggregate classification (germline): Uncertain significance. Review status: criteria provided, multiple submitters, no conflicts (2 of 4 stars). 2 submissions from 2 submitters: Uncertain significance (2). Last evaluated 2023-06-29.

Submissions (2):

GeneDx
Classification: Uncertain significance. Last evaluated: 2023-06-29. Review status: criteria provided, single submitter. Criteria: GeneDx Variant Classification Process June 2021. Collection method: clinical testing. Allele origin: germline. Affected: yes.
Comment: Has not been previously published as pathogenic or benign to our knowledge; Not observed at significant frequency in large population cohorts (gnomAD); In silico analysis supports that this missense variant has a deleterious effect on protein structure/function

Labcorp Genetics (formerly Invitae), Labcorp
Classification: Uncertain significance. Last evaluated: 2022-05-25. Review status: criteria provided, single submitter. Criteria: Invitae Variant Classification Sherloc (09022015). Collection method: clinical testing. Allele origin: germline.
Comment: In summary, the available evidence is currently insufficient to determine the role of this variant in disease. Therefore, it has been classified as a Variant of Uncertain Significance. Algorithms developed to predict the effect of sequence changes on RNA splicing suggest that this variant may disrupt the consensus splice site. Algorithms developed to predict the effect of missense changes on protein structure and function (SIFT, PolyPhen-2, Align-GVGD) all suggest that this variant is likely to be disruptive. This variant has not been reported in the literature in individuals affected with POLR3B-related conditions. This variant is not present in population databases (gnomAD no frequency). This sequence change replaces serine, which is neutral and polar, with leucine, which is neutral and non-polar, at codon 1071 of the POLR3B protein (p.Ser1071Leu).

NM_018082.6(POLR3B):c.3212C>T (p.Ser1071Leu)

Genes: RFX4-AS1 (RFX4 antisense RNA 1; minus strand), POLR3B (RNA polymerase III subunit B; plus strand). Cytogenetic location: 12q23.3.
Variant type: single nucleotide variant.
Coding change: c.3212C>T on transcript NM_018082.6 (MANE Select); coding-DNA position 3212, C replaced by T.
Protein change: p.Ser1071Leu; replaces serine 1071 with leucine.
Molecular consequence: missense variant.
Genome position (GRCh38, 1-based): chr12:106,504,194, C>T. VCF-style: chr12-106504194-C-T. GRCh37 (hg19) VCF-style: chr12-106897972-C-T.
Other names: c.3038C>T, p.Ser1013Leu (NM_001160708.2); short protein forms S1013L, S1071L.
Identifiers: ClinVar variation 2037843 (VCV002037843.5), dbSNP rs779482867, ClinGen allele CA386394268.